The following is an entry in ClinVar:

NM_007254.4(PNKP):c.-50G>C

Gene: PNKP (polynucleotide kinase 3'-phosphatase; minus strand). Cytogenetic location: 19q13.33.
Variant type: single nucleotide variant.
Coding change: c.-50G>C on transcript NM_007254.4 (MANE Select); 50 bases upstream of the start codon, G replaced by C.
Molecular consequence: 5 prime UTR variant.
Genome position (GRCh38, 1-based): chr19:49,867,505, C>G on the plus strand (G>C on the coding strand, the complement: PNKP is on the minus strand). VCF-style: chr19-49867505-C-G. GRCh37 (hg19) VCF-style: chr19-50370762-C-G.
Identifiers: ClinVar variation 138715 (VCV000138715.5), dbSNP rs3739166, ClinGen allele CA292799.

ClinVar aggregate classification (germline): Benign/Likely benign. Review status: criteria provided, multiple submitters, no conflicts (2 of 4 stars). 2 submissions from 2 submitters: Benign (1); Likely benign (1). Last evaluated 2018-01-13.

Conditions:
Microcephaly, seizures, and developmental delay. Identifiers: Orphanet 1934, MedGen C3150667, MONDO:0013254, OMIM 613402.

Allele frequency attached by ClinVar (database versions not stated): 1000 Genomes Project 0.00280; gnomAD 0.00384 and 0.00413; 1000 Genomes Project 30x 0.00265; TOPMed 0.00429.
gnomAD v4.1: 720 of 449,274 alleles (0.16%); highest among the groups gnomAD compares: African/African-American, 1.3%; 6 homozygotes.

Submissions (2):

Illumina Laboratory Services, Illumina
Classification: Likely benign for Microcephaly, seizures, and developmental delay. Last evaluated: 2018-01-13. Review status: criteria provided, single submitter. Criteria: ICSL Variant Classification Criteria 13 December 2019. Collection method: clinical testing. Allele origin: germline.
Comment: This variant was observed in the ICSL laboratory as part of a predisposition screen in an ostensibly healthy population. It had not been previously curated by ICSL or reported in the Human Gene Mutation Database (HGMD: prior to June 1st, 2018), and was therefore a candidate for classification through an automated scoring system. Utilizing variant allele frequency, disease prevalence and penetrance estimates, and inheritance mode, an automated score was calculated to assess if this variant is too frequent to cause the disease. Based on the score and internal cut-off values, a variant classified as likely benign is not then subjected to further curation. The score for this variant resulted in a classification of likely benign for this disease.

GeneDx
Classification: Benign. Last evaluated: 2013-01-25. Review status: criteria provided, single submitter. Criteria: GeneDx Variant Classification (06012015). Collection method: clinical testing. Allele origin: germline. Affected: yes.
Comment: This variant is considered likely benign or benign based on one or more of the following criteria: it is a conservative change, it occurs at a poorly conserved position in the protein, it is predicted to be benign by multiple in silico algorithms, and/or has population frequency not consistent with disease.